The following is an entry in ClinVar:

NM_001145809.2(MYH14):c.2299C>T (p.Arg767Cys)

Gene: MYH14 (myosin heavy chain 14; plus strand). Cytogenetic location: 19q13.33.
Variant type: single nucleotide variant.
Coding change: c.2299C>T on transcript NM_001145809.2 (MANE Select); coding-DNA position 2299, C replaced by T.
Protein change: p.Arg767Cys; replaces arginine 767 with cysteine.
Molecular consequence: missense variant.
Genome position (GRCh38, 1-based): chr19:50,259,210, C>T. VCF-style: chr19-50259210-C-T. GRCh37 (hg19) VCF-style: chr19-50762467-C-T.
Other names: c.2200C>T, p.Arg734Cys (NM_001077186.2); c.2176C>T, p.Arg726Cys (NM_024729.4); short protein forms R726C, R734C, R767C.
Identifiers: ClinVar variation 1305060 (VCV001305060.8), dbSNP rs28940307, ClinGen allele CA406944924.

ClinVar aggregate classification (germline): Conflicting classifications of pathogenicity. Review status: criteria provided, conflicting classifications (1 of 4 stars). 4 submissions from 4 submitters: Likely pathogenic (1); Uncertain significance (3). Last evaluated 2025-05-14.

Conditions:
MYH14-related disorder. Also called: MYH14-related condition.
Autosomal dominant nonsyndromic hearing loss 4A. Also called: Deafness, autosomal dominant 4A. Identifiers: Orphanet 90635, MedGen C1833503, MONDO:0010915, OMIM 600652.
Peripheral neuropathy-myopathy-hoarseness-hearing loss syndrome. Identifiers: Orphanet 397744, MedGen C3280556, MONDO:0013711, OMIM 614369.

Submissions (4):

Labcorp Genetics (formerly Invitae), Labcorp
Classification: Uncertain significance. Last evaluated: 2025-05-14. Review status: criteria provided, single submitter. Criteria: Invitae Variant Classification Sherloc (09022015). Collection method: clinical testing. Allele origin: germline.
Comment: This sequence change replaces arginine, which is basic and polar, with cysteine, which is neutral and slightly polar, at codon 726 of the MYH14 protein (p.Arg726Cys). This variant is not present in population databases (gnomAD no frequency). This missense change has been observed in individual(s) with deafness (internal data). ClinVar contains an entry for this variant (Variation ID: 1305060). Invitae Evidence Modeling of protein sequence and biophysical properties (such as structural, functional, and spatial information, amino acid conservation, physicochemical variation, residue mobility, and thermodynamic stability) indicates that this missense variant is expected to disrupt MYH14 protein function with a positive predictive value of 80%. This variant disrupts the p.Arg726 amino acid residue in MYH14. Other variant(s) that disrupt this residue have been determined to be pathogenic (PMID: 15015131). This suggests that this residue is clinically significant, and that variants that disrupt this residue are likely to be disease-causing. In summary, the available evidence is currently insufficient to determine the role of this variant in disease. Therefore, it has been classified as a Variant of Uncertain Significance.

GeneDx
Classification: Uncertain significance. Last evaluated: 2022-03-04. Review status: criteria provided, single submitter. Criteria: GeneDx Variant Classification Process June 2021. Collection method: clinical testing. Allele origin: germline. Affected: yes.
Comment: Not observed at significant frequency in large population cohorts (gnomAD); In silico analysis supports that this missense variant has a deleterious effect on protein structure/function; Has not been previously published as pathogenic or benign to our knowledge

Blueprint Genetics
Classification: Likely pathogenic for MYH14-related disorders. Last evaluated: 2020-12-19. Review status: criteria provided, single submitter. Criteria: ACMG Guidelines, 2015. Collection method: clinical testing. Allele origin: germline. Affected: yes. Observed: 2 variant alleles.

Juno Genomics, Hangzhou Juno Genomics, Inc
Classification: Uncertain significance for Peripheral neuropathy-myopathy-hoarseness-hearing loss syndrome; Autosomal dominant nonsyndromic hearing loss 4A. Review status: criteria provided, single submitter. Criteria: ACMG Guidelines, 2015. Collection method: clinical testing. Allele origin: germline. Affected: yes.
Comment: Absent from controls (or at extremely low frequency if recessive) in Genome Aggregation Database, Exome Sequencing Project, 1000 Genomes Project, or Exome Aggregation Consortium.;Multiple lines of computational evidence support a deleterious effect on the gene or gene product (conservation, evolutionary, splicing impact, etc).

Literature cited by the submitters: PubMed 15015131 (cited by Labcorp Genetics (formerly Invitae), Labcorp).